The following is an entry in ClinVar:

NM_024844.5(NUP85):c.1942A>G (p.Ile648Val)

Gene: NUP85 (nucleoporin 85; plus strand). Cytogenetic location: 17q25.1.
Variant type: single nucleotide variant.
Coding change: c.1942A>G on transcript NM_024844.5 (MANE Select); coding-DNA position 1942, A replaced by G.
Protein change: p.Ile648Val; replaces isoleucine 648 with valine.
Molecular consequence: missense variant.
Genome position (GRCh38, 1-based): chr17:75,235,650, A>G. VCF-style: chr17-75235650-A-G. GRCh37 (hg19) VCF-style: chr17-73231745-A-G.
Other names: c.1804A>G, p.Ile602Val (NM_001303276.2); c.1807A>G, p.Ile603Val (NM_001330472.2); short protein forms I602V, I603V, I648V.
Identifiers: ClinVar variation 1903625 (VCV001903625.5), dbSNP rs767135021, ClinGen allele CA8759125.

ClinVar aggregate classification (germline): Uncertain significance (1 of 4 stars; one submission).

Allele frequency attached by ClinVar (database versions not stated): gnomAD 0.00003; TOPMed 0.00004.
gnomAD v4.1: 20 of 1,613,946 alleles (0.0012%); highest among the groups gnomAD compares: African/African-American, 0.0053%; no homozygotes.

Submission:

Labcorp Genetics (formerly Invitae), Labcorp
Classification: Uncertain significance. Last evaluated: 2025-09-15. Review status: criteria provided, single submitter. Criteria: Invitae Variant Classification Sherloc (09022015). Collection method: clinical testing. Allele origin: germline.
Comment: This sequence change replaces isoleucine, which is neutral and non-polar, with valine, which is neutral and non-polar, at codon 648 of the NUP85 protein (p.Ile648Val). This variant is present in population databases (rs767135021, gnomAD 0.008%). This variant has not been reported in the literature in individuals affected with NUP85-related conditions. ClinVar contains an entry for this variant (Variation ID: 1903625). An algorithm developed to predict the effect of missense changes on protein structure and function outputs the following: PolyPhen-2: "Benign". The valine amino acid residue is found in multiple mammalian species, which suggests that this missense change does not adversely affect protein function. Algorithms developed to predict the effect of sequence changes on RNA splicing suggest that this variant may create or strengthen a splice site. In summary, the available evidence is currently insufficient to determine the role of this variant in disease. Therefore, it has been classified as a Variant of Uncertain Significance.